The following is an entry in ClinVar:

NM_020984.4(CHAT):c.-69+2320T>A

Genes: CHAT (choline O-acetyltransferase; plus strand), SLC18A3 (solute carrier family 18 member A3; plus strand). Cytogenetic location: 10q11.23.
Variant type: single nucleotide variant.
Coding change: c.-69+2320T>A on transcript NM_020984.4; 2320 bases into the intron after 69 bases upstream of the start codon, T replaced by A.
Molecular consequence: intron variant. On other transcripts: missense variant (1).
Genome position (GRCh38, 1-based): chr10:49,611,519, T>A. VCF-style: chr10-49611519-T-A. GRCh37 (hg19) VCF-style: chr10-50819565-T-A.
Other names: c.779T>A, p.Leu260Gln (NM_003055.3); short protein forms L260Q.
Identifiers: ClinVar variation 1303172 (VCV001303172.4), dbSNP rs1838295861, ClinGen allele CA376720741.

ClinVar aggregate classification (germline): Uncertain significance (1 of 4 stars; one submission).

Allele frequency attached by ClinVar (database versions not stated): TOPMed below 0.00001.

Submission:

GeneDx
Classification: Uncertain significance. Last evaluated: 2019-08-30. Review status: criteria provided, single submitter. Criteria: GeneDx Variant Classification Process June 2021. Collection method: clinical testing. Allele origin: germline. Affected: yes.
Comment: Not observed in large population cohorts (Lek et al., 2016); In silico analysis, which includes protein predictors and evolutionary conservation, supports a deleterious effect; Has not been previously published as pathogenic or benign to our knowledge